The following is an entry in ClinVar:

NM_007175.8(ERLIN2):c.246G>A (p.Val82=)

Gene: ERLIN2 (ER lipid raft associated 2; plus strand). Cytogenetic location: 8p11.23.
Variant type: single nucleotide variant.
Coding change: c.246G>A on transcript NM_007175.8 (MANE Select); coding-DNA position 246, G replaced by A.
Protein change: p.Val82=; no amino-acid change (valine 82 retained).
Molecular consequence: synonymous variant.
Genome position (GRCh38, 1-based): chr8:37,744,364, G>A. VCF-style: chr8-37744364-G-A. GRCh37 (hg19) VCF-style: chr8-37601882-G-A.
Other names: c.246G>A, p.Val82= (NM_001003790.4, NM_001003791.3, NM_001362878.2 and 1 more transcripts).
Identifiers: ClinVar variation 1930827 (VCV001930827.5), dbSNP rs1802960931, ClinGen allele CA460356307.

ClinVar aggregate classification (germline): Uncertain significance (1 of 4 stars; one submission).

Conditions:
Spastic paraplegia. Identifiers: MedGen C0037772, HP:0001258.

Allele frequency attached by ClinVar (database versions not stated): gnomAD exomes below 0.00001; TOPMed below 0.00001.
gnomAD v4.1: 2 of 1,613,946 alleles (0.00012%); highest among the groups gnomAD compares: East Asian, 0.0022%; no homozygotes.

Submission:

Labcorp Genetics (formerly Invitae), Labcorp
Classification: Uncertain significance for Spastic paraplegia. Last evaluated: 2022-09-19. Review status: criteria provided, single submitter. Criteria: Invitae Variant Classification Sherloc (09022015). Collection method: clinical testing. Allele origin: germline.
Comment: In summary, the available evidence is currently insufficient to determine the role of this variant in disease. Therefore, it has been classified as a Variant of Uncertain Significance. Algorithms developed to predict the effect of sequence changes on RNA splicing suggest that this variant may disrupt the consensus splice site. This variant has not been reported in the literature in individuals affected with ERLIN2-related conditions. This variant is not present in population databases (gnomAD no frequency). This sequence change affects codon 82 of the ERLIN2 mRNA. It is a 'silent' change, meaning that it does not change the encoded amino acid sequence of the ERLIN2 protein.